The following is an entry in ClinVar:

ClinVar aggregate classification (germline): Pathogenic. Review status: criteria provided, multiple submitters, no conflicts (2 of 4 stars). 3 submissions from 3 submitters: Pathogenic (3). Last evaluated 2023-12-05.

Conditions:
L1CAM-related disorders.
Spastic paraplegia. Identifiers: MedGen C0037772, HP:0001258.

Submissions (3):

GeneDx
Classification: Pathogenic. Last evaluated: 2023-12-05. Review status: criteria provided, single submitter. Criteria: GeneDx Variant Classification Process June 2021. Collection method: clinical testing. Allele origin: germline. Affected: yes.
Comment: Nonsense variant predicted to result in protein truncation or nonsense mediated decay in a gene for which loss-of-function is a known mechanism of disease; Not observed at significant frequency in large population cohorts (gnomAD); This variant is associated with the following publications: (PMID: 25525159, 19846429, 34676009, 10797421)

Blueprint Genetics
Classification: Pathogenic for L1CAM-related disorders. Last evaluated: 2022-02-09. Review status: criteria provided, single submitter. Criteria: ACMG Guidelines, 2015. Collection method: clinical testing. Allele origin: germline. Affected: yes. Observed: 2 variant alleles.

Labcorp Genetics (formerly Invitae), Labcorp
Classification: Pathogenic for Spastic paraplegia. Last evaluated: 2018-11-06. Review status: criteria provided, single submitter. Criteria: Invitae Variant Classification Sherloc (09022015). Collection method: clinical testing. Allele origin: germline.
Comment: Loss-of-function variants in L1CAM are known to be pathogenic (PMID: 19846429). Algorithms developed to predict the effect of sequence changes on RNA splicing suggest that this variant may disrupt the consensus splice site, but this prediction has not been confirmed by published transcriptional studies. This variant has been observed in an individual affected with hydrocephalus and suspected L1 disease (PMID: 10797421). ClinVar contains an entry for this variant (Variation ID: 449046). This variant is not present in population databases (ExAC no frequency). This sequence change creates a premature translational stop signal (p.Gln423*) in the L1CAM gene. It is expected to result in an absent or disrupted protein product. For these reasons, this variant has been classified as Pathogenic.

Literature cited by the submitters: PubMed 19846429 (cited by Labcorp Genetics (formerly Invitae), Labcorp); PubMed 10797421 (cited by Labcorp Genetics (formerly Invitae), Labcorp).

NM_001278116.2(L1CAM):c.1267C>T (p.Gln423Ter)

Gene: L1CAM (L1 cell adhesion molecule; minus strand). Cytogenetic location: Xq28.
Variant type: single nucleotide variant.
Coding change: c.1267C>T on transcript NM_001278116.2 (MANE Select); coding-DNA position 1267, C replaced by T.
Protein change: p.Gln423Ter; replaces glutamine 423 with a stop codon.
Molecular consequence: nonsense.
Genome position (GRCh38, 1-based): chrX:153,869,520, G>A on the plus strand (C>T on the coding strand, the complement: L1CAM is on the minus strand). VCF-style: chrX-153869520-G-A. GRCh37 (hg19) VCF-style: chrX-153134975-G-A.
Other names: c.1267C>T, p.Gln423Ter (NM_000425.5, NM_024003.3); c.1252C>T, p.Gln418Ter (NM_001143963.2); short protein forms Q423*, Q418*.
Identifiers: ClinVar variation 449046 (VCV000449046.14), dbSNP rs1557092248, ClinGen allele CA415129000.